The following is an entry in ClinVar:

NM_003482.4(KMT2D):c.10090C>A (p.Gln3364Lys)

Gene: KMT2D (lysine methyltransferase 2D; minus strand). Cytogenetic location: 12q13.12.
Variant type: single nucleotide variant.
Coding change: c.10090C>A on transcript NM_003482.4 (MANE Select); coding-DNA position 10090, C replaced by A.
Protein change: p.Gln3364Lys; replaces glutamine 3364 with lysine.
Molecular consequence: missense variant.
Genome position (GRCh38, 1-based): chr12:49,037,266, G>T on the plus strand (C>A on the coding strand, the complement: KMT2D is on the minus strand). VCF-style: chr12-49037266-G-T. GRCh37 (hg19) VCF-style: chr12-49431049-G-T.
Other names: short protein forms Q3364K.
Identifiers: ClinVar variation 4739516 (VCV004739516.6).

ClinVar aggregate classification (germline): Conflicting classifications of pathogenicity. Review status: criteria provided, conflicting classifications (1 of 4 stars). 3 submissions from 3 submitters: Uncertain significance (1); Likely benign (2). Last evaluated 2026-04-01.

Conditions:
Kabuki syndrome. Also called: NIIKAWA-KUROKI SYNDROME; Kabuki make-up syndrome. Identifiers: Orphanet 2322, MedGen C0796004, MONDO:0016512.

gnomAD v4.1: 28 of 1,613,550 alleles (0.0017%); highest among the groups gnomAD compares: Non-Finnish European, 0.0021%; no homozygotes.

Submissions (3):

CeGaT Center for Human Genetics Tuebingen
Classification: Likely benign. Last evaluated: 2026-04-01. Review status: criteria provided, single submitter. Criteria: CeGaT Center For Human Genetics Tuebingen Variant Classification Criteria Version 2. Collection method: clinical testing. Allele origin: germline. Affected: yes. Observed: 1 variant allele.
Comment: KMT2D: BP4, BS2

Women's Health and Genetics/Laboratory Corporation of America, LabCorp
Classification: Uncertain significance. Last evaluated: 2026-02-03. Review status: criteria provided, single submitter. Criteria: LabCorp Variant Classification Summary - May 2015. Collection method: clinical testing. Allele origin: germline.
Comment: Variant summary: KMT2D c.10090C>A (p.Gln3364Lys) results in a conservative amino acid change in the encoded protein sequence. Algorithms developed to predict the effect of missense changes on protein structure and function are either unavailable or do not agree on the potential impact of this missense change. The variant allele was found at a frequency of 4e-06 in 248720 control chromosomes. The available data on variant occurrences in the general population are insufficient to allow any conclusion about variant significance. To our knowledge, no occurrence of c.10090C>A in individuals affected with KMT2D-related conditions and no experimental evidence demonstrating its impact on protein function have been reported. No submitters have cited clinical-significance assessments for this variant to ClinVar. Based on the evidence outlined above, the variant was classified as uncertain significance.

Labcorp Genetics (formerly Invitae), Labcorp
Classification: Likely benign for Kabuki syndrome. Last evaluated: 2025-12-09. Review status: criteria provided, single submitter. Criteria: Invitae Variant Classification Sherloc (09022015). Collection method: clinical testing. Allele origin: germline.